The following is an entry in ClinVar:

ClinVar aggregate classification (germline): Likely benign (1 of 4 stars; one submission).

Conditions:
EPILEPSY, CHILDHOOD ABSENCE, SUSCEPTIBILITY TO, 2 (ECA2). Identifiers: Orphanet 64280, MedGen C1843244, OMIM 607681.

Allele frequency attached by ClinVar (database versions not stated): 1000 Genomes Project 0.00080; 1000 Genomes Project 30x 0.00094; gnomAD 0.00111 and 0.00113; TOPMed 0.00120.

Submission:

Illumina Laboratory Services, Illumina
Classification: Likely benign for Febrile seizures, familial, 8. Last evaluated: 2018-01-13. Review status: criteria provided, single submitter. Criteria: ICSL Variant Classification Criteria 13 December 2019. Collection method: clinical testing. Allele origin: germline.
Comment: This variant was observed in the ICSL laboratory as part of a predisposition screen in an ostensibly healthy population. It had not been previously curated by ICSL or reported in the Human Gene Mutation Database (HGMD: prior to June 1st, 2018), and was therefore a candidate for classification through an automated scoring system. Utilizing variant allele frequency, disease prevalence and penetrance estimates, and inheritance mode, an automated score was calculated to assess if this variant is too frequent to cause the disease. Based on the score and internal cut-off values, a variant classified as likely benign is not then subjected to further curation. The score for this variant resulted in a classification of likely benign for this disease.

NM_198904.4(GABRG2):c.*1636T>C

Gene: GABRG2 (gamma-aminobutyric acid type A receptor subunit gamma2; plus strand). Cytogenetic location: 5q34.
Variant type: single nucleotide variant.
Coding change: c.*1636T>C on transcript NM_198904.4 (MANE Select); 1636 bases downstream of the stop codon, T replaced by C.
Molecular consequence: 3 prime UTR variant.
Genome position (GRCh38, 1-based): chr5:162,155,004, T>C. VCF-style: chr5-162155004-T-C. GRCh37 (hg19) VCF-style: chr5-161582010-T-C.
Other names: c.*1636T>C (NM_000816.3, NM_001375339.1, NM_001375341.1 and 10 more transcripts); c.*1898T>C (NM_001375340.1).
Identifiers: ClinVar variation 352665 (VCV000352665.5), dbSNP rs551794496, ClinGen allele CA10624070.
Genomic context (GRCh38, chr5:162,155,004, plus strand): 5'-CTATCTTCATGTACTCATCCTGAATCCTTATTTTTCTAAAATAGCACCCTTTGTTAATTA[T>C]TTTTATGGAAATTATTACTCTGTCATAATTAAATCATAGCTAGTATAACTTTACAGATAA-3'